The following is an entry in ClinVar:

NM_001008537.3(NEXMIF):c.1442G>A (p.Arg481Gln)

Gene: NEXMIF (neurite extension and migration factor; minus strand). Cytogenetic location: Xq13.3.
Variant type: single nucleotide variant.
Coding change: c.1442G>A on transcript NM_001008537.3 (MANE Select); coding-DNA position 1442, G replaced by A.
Protein change: p.Arg481Gln; replaces arginine 481 with glutamine.
Molecular consequence: missense variant.
Genome position (GRCh38, 1-based): chrX:74,743,115, C>T on the plus strand (G>A on the coding strand, the complement: NEXMIF is on the minus strand). VCF-style: chrX-74743115-C-T. GRCh37 (hg19) VCF-style: chrX-73962950-C-T.
Other names: c.1442G>A (NM_001008537.1); short protein forms R481Q.
Identifiers: ClinVar variation 4119030 (VCV004119030.2).

ClinVar aggregate classification (germline): Uncertain significance. Review status: criteria provided, multiple submitters, no conflicts (2 of 4 stars). 2 submissions from 2 submitters: Uncertain significance (2). Last evaluated 2026-03-27.

Submissions (2):

GeneDx
Classification: Uncertain significance. Last evaluated: 2026-03-27. Review status: criteria provided, single submitter. Criteria: GeneDx Variant Classification Process June 2021. Collection method: clinical testing. Allele origin: germline.
Comment: Not observed at significant frequency in large population cohorts (gnomAD); In silico analysis supports that this missense variant has a deleterious effect on protein structure/function; Has not been previously published as pathogenic or benign to our knowledge

Ambry Genetics
Classification: Uncertain significance. Last evaluated: 2025-06-29. Review status: criteria provided, single submitter. Criteria: Ambry Variant Classification Scheme 2023. Collection method: clinical testing. Allele origin: germline.